The following is an entry in ClinVar:

ClinVar aggregate classification (germline): Uncertain significance. Review status: criteria provided, multiple submitters, no conflicts (2 of 4 stars). 2 submissions from 2 submitters: Uncertain significance (2). Last evaluated 2024-03-06.

Conditions:
Familial thoracic aortic aneurysm and aortic dissection (TAAD). Also called: Thoracic aortic aneurysms and dissections. Identifiers: Orphanet 91387, MedGen C4707243, MONDO:0019625.
Loeys-Dietz syndrome (LDS). Identifiers: Orphanet 60030, MedGen C2697932, MONDO:0018954.

Submissions (2):

Color Diagnostics, LLC DBA Color Health
Classification: Uncertain significance for Familial thoracic aortic aneurysm and aortic dissection. Last evaluated: 2024-03-06. Review status: criteria provided, single submitter. Criteria: ACMG Guidelines, 2015. Collection method: clinical testing. Allele origin: germline.
Comment: This missense variant replaces valine with isoleucine at codon 65 of the TGFBR1 protein. Computational prediction suggests that this variant may not impact protein structure and function (internally defined REVEL score threshold <= 0.5, PMID: 27666373). To our knowledge, functional studies have not been reported for this variant. This variant has not been reported in individuals affected with TGFBR1-related disorders in the literature. This variant has not been identified in the general population by the Genome Aggregation Database (gnomAD). The available evidence is insufficient to determine the role of this variant in disease conclusively. Therefore, this variant is classified as a Variant of Uncertain Significance.

All of Us Research Program, National Institutes of Health
Classification: Uncertain significance for Loeys-Dietz syndrome. Last evaluated: 2023-10-02. Review status: criteria provided, single submitter. Criteria: ACMG Guidelines, 2015. Collection method: clinical testing. Allele origin: germline. Inheritance: Autosomal dominant inheritance. Observed: 1 variant allele, 1 heterozygote.
Comment: This missense variant replaces valine with isoleucine at codon 65 of the TGFBR1 protein. Computational prediction tool suggests that this variant may not impact protein structure and function (internally defined REVEL score threshold <=0.5, PMID: 27666373). Splice site prediction tools suggest that this variant may not impact RNA splicing. To our knowledge, functional studies have not been performed for this variant. This variant has not been reported in individuals affected with cardiovascular disorders in the literature. This variant has not been identified in the general population by the Genome Aggregation Database (gnomAD). The available evidence is insufficient to determine the role of this variant in disease conclusively. Therefore, this variant is classified as a Variant of Uncertain Significance.

This study involves interpretation of variants in research participants for the purpose of population health screening. Participant phenotype was not available at the time of variant classification. Additional details can be found in publication PMID: 35346344, PMCID: PMC8962531

NM_004612.4(TGFBR1):c.193G>A (p.Val65Ile)

Gene: TGFBR1 (transforming growth factor beta receptor 1; plus strand). Cytogenetic location: 9q22.33.
Variant type: single nucleotide variant.
Coding change: c.193G>A on transcript NM_004612.4 (MANE Select); coding-DNA position 193, G replaced by A.
Protein change: p.Val65Ile; replaces valine 65 with isoleucine.
Molecular consequence: missense variant.
Genome position (GRCh38, 1-based): chr9:99,128,950, G>A. VCF-style: chr9-99128950-G-A. GRCh37 (hg19) VCF-style: chr9-101891232-G-A.
Other names: c.193G>A, p.Val65Ile (NM_001130916.3, NM_001306210.2); short protein forms V65I.
Identifiers: ClinVar variation 927652 (VCV000927652.6), dbSNP rs1827124531, ClinGen allele CA374225514.